The following is an entry in ClinVar:

NM_000038.6(APC):c.7276G>A (p.Gly2426Arg)

Gene: APC (APC regulator of Wnt signaling pathway; plus strand). Cytogenetic location: 5q22.2.
Variant type: single nucleotide variant.
Coding change: c.7276G>A on transcript NM_000038.6 (MANE Select); coding-DNA position 7276, G replaced by A.
Protein change: p.Gly2426Arg; replaces glycine 2426 with arginine.
Molecular consequence: missense variant.
Genome position (GRCh38, 1-based): chr5:112,842,870, G>A. VCF-style: chr5-112842870-G-A. GRCh37 (hg19) VCF-style: chr5-112178567-G-A.
Other names: c.7276G>A, p.Gly2426Arg (NM_001127510.3, NM_001354895.2); c.7222G>A, p.Gly2408Arg (NM_001127511.3); c.7330G>A, p.Gly2444Arg (NM_001354896.2); c.7306G>A, p.Gly2436Arg (NM_001354897.2); c.7201G>A, p.Gly2401Arg (NM_001354898.2); c.7192G>A, p.Gly2398Arg (NM_001354899.2); c.7153G>A, p.Gly2385Arg (NM_001354900.2); c.7099G>A, p.Gly2367Arg (NM_001354901.2); and 5 more; short protein forms G2426R, G2408R, G2266R, G2300R, G2325R, G2385R, G2444R, G2143R.
Identifiers: ClinVar variation 411527 (VCV000411527.20), dbSNP rs1060503353, ClinGen allele CA16037174.

ClinVar aggregate classification (germline): Uncertain significance. Review status: criteria provided, multiple submitters, no conflicts (2 of 4 stars). 4 submissions from 4 submitters: Uncertain significance (4). Last evaluated 2026-02-02.

Conditions:
Familial adenomatous polyposis 1 (FAP1). Also called: FAMILIAL ADENOMATOUS POLYPOSIS 1, ATTENUATED; POLYPOSIS, ADENOMATOUS INTESTINAL. Identifiers: MedGen C2713442, MONDO:0021056, OMIM 175100. Disease mechanism: loss of function.
Hereditary cancer-predisposing syndrome. Also called: Tumor predisposition; Hereditary Cancer Syndrome; Hereditary neoplastic syndrome; Neoplastic Syndromes, Hereditary. Identifiers: Orphanet 140162, MedGen C0027672, MeSH D009386, MONDO:0015356.

Allele frequency attached by ClinVar (database versions not stated): gnomAD exomes below 0.00001.
gnomAD v4.1: 2 of 1,613,948 alleles (0.00012%); highest among the groups gnomAD compares: African/African-American, 0.0013%; no homozygotes.

Submissions (4):

Labcorp Genetics (formerly Invitae), Labcorp
Classification: Uncertain significance for Familial adenomatous polyposis 1. Last evaluated: 2026-02-02. Review status: criteria provided, single submitter. Criteria: Invitae Variant Classification Sherloc (09022015). Collection method: clinical testing. Allele origin: germline.
Comment: This sequence change replaces glycine, which is neutral and non-polar, with arginine, which is basic and polar, at codon 2426 of the APC protein (p.Gly2426Arg). This variant is not present in population databases (gnomAD no frequency). This variant has not been reported in the literature in individuals affected with APC-related conditions. ClinVar contains an entry for this variant (Variation ID: 411527). Invitae Evidence Modeling of protein sequence and biophysical properties (such as structural, functional, and spatial information, amino acid conservation, physicochemical variation, residue mobility, and thermodynamic stability) indicates that this missense variant is not expected to disrupt APC protein function with a negative predictive value of 95%. In summary, the available evidence is currently insufficient to determine the role of this variant in disease. Therefore, it has been classified as a Variant of Uncertain Significance.

Ambry Genetics
Classification: Uncertain significance for Hereditary cancer-predisposing syndrome. Last evaluated: 2025-08-28. Review status: criteria provided, single submitter. Criteria: Ambry Variant Classification Scheme 2023. Collection method: clinical testing. Allele origin: germline.
Comment: The p.G2426R variant (also known as c.7276G>A), located in coding exon 15 of the APC gene, results from a G to A substitution at nucleotide position 7276. The glycine at codon 2426 is replaced by arginine, an amino acid with dissimilar properties. This amino acid position is highly conserved in available vertebrate species. In addition, in silico predictors for this gene do not accurately predict pathogenicity. Missense alterations in APC are not a common cause of disease (Spier I et al. Genet Med. 2024 Feb;26(2):100992). Based on the available evidence, the clinical significance of this variant remains unclear.

Quest Diagnostics Nichols Institute San Juan Capistrano
Classification: Uncertain significance. Last evaluated: 2025-01-25. Review status: criteria provided, single submitter. Criteria: Quest Diagnostics criteria. Collection method: clinical testing. Allele origin: unknown.
Comment: The APC c.7276G>A (p.Gly2426Arg) variant has not been reported in individuals with APC-related conditions in the published literature. It also has not been reported in large, multi-ethnic general populations (Genome Aggregation Database). Analysis of this variant using bioinformatics tools for the prediction of the effect of amino acid changes on protein structure and function yielded predictions that this variant is damaging. Based on the available information, we are unable to determine the clinical significance of this variant.

GeneDx
Classification: Uncertain significance. Last evaluated: 2023-04-20. Review status: criteria provided, single submitter. Criteria: GeneDx Variant Classification Process June 2021. Collection method: clinical testing. Allele origin: germline. Affected: yes.
Comment: Not observed at significant frequency in large population cohorts (gnomAD); In silico analysis supports that this missense variant has a deleterious effect on protein structure/function; Has not been previously published as pathogenic or benign to our knowledge; This variant is associated with the following publications: (PMID: 29604063)